The following is an entry in ClinVar:

NM_001354712.2(THRB):c.*5701A>T

Gene: THRB (thyroid hormone receptor beta; minus strand). Cytogenetic location: 3p24.2.
Variant type: single nucleotide variant.
Coding change: c.*5701A>T on transcript NM_001354712.2 (MANE Select); 5701 bases downstream of the stop codon, A replaced by T.
Molecular consequence: 3 prime UTR variant.
Genome position (GRCh38, 1-based): chr3:24,117,183, T>A on the plus strand (A>T on the coding strand, the complement: THRB is on the minus strand). VCF-style: chr3-24117183-T-A. GRCh37 (hg19) VCF-style: chr3-24158674-T-A.
Other names: c.*5701A>T (NM_000461.5, NM_001128176.3, NM_001128177.2 and 14 more transcripts).
Identifiers: ClinVar variation 901559 (VCV000901559.4), dbSNP rs529651896, ClinGen allele CA71601123.

ClinVar aggregate classification (germline): Benign (1 of 4 stars; one submission).

Conditions:
Thyroid hormone resistance, generalized, autosomal dominant (GRTHD). Also called: HYPERTHYROXINEMIA, FAMILIAL EUTHYROID, SECONDARY TO PITUITARY AND PERIPHERAL RESISTANCE TO THYROID HORMONES. Identifiers: MedGen C2937288, MONDO:0008569, OMIM 188570.

Allele frequency attached by ClinVar (database versions not stated): 1000 Genomes Project 0.00040; gnomAD 0.00042 and 0.00051; TOPMed 0.00055; 1000 Genomes Project 30x 0.00062.
gnomAD v4.1: 64 of 152,374 alleles (0.042%); highest among the groups gnomAD compares: African/African-American, 0.15%; no homozygotes.

Submission:

Illumina Laboratory Services, Illumina
Classification: Benign for Thyroid hormone resistance, generalized, autosomal dominant. Last evaluated: 2018-01-13. Review status: criteria provided, single submitter. Criteria: ICSL Variant Classification Criteria 13 December 2019. Collection method: clinical testing. Allele origin: germline.
Comment: This variant was observed in the ICSL laboratory as part of a predisposition screen in an ostensibly healthy population. It had not been previously curated by ICSL or reported in the Human Gene Mutation Database (HGMD: prior to June 1st, 2018), and was therefore a candidate for classification through an automated scoring system. Utilizing variant allele frequency, disease prevalence and penetrance estimates, and inheritance mode, an automated score was calculated to assess if this variant is too frequent to cause the disease. Based on the score and internal cut-off values, a variant classified as benign is not then subjected to further curation. The score for this variant resulted in a classification of benign for this disease.